The following is an entry in ClinVar:

ClinVar aggregate classification (germline): Uncertain significance (0 of 4 stars; one submission).

Conditions:
TBX3-related disorder. Also called: TBX3-related condition.

Submission:

PreventionGenetics, part of Exact Sciences
Classification: Uncertain significance for TBX3-related condition. Last evaluated: 2024-07-05. Review status: no assertion criteria provided. Collection method: clinical testing. Allele origin: germline.
Comment: The TBX3 c.1839_1853dup15 variant is predicted to result in an in-frame duplication (p.Ala617_Ser621dup). To our knowledge, this variant has not been reported in the literature or in a large population database, indicating this variant is rare. At this time, the clinical significance of this variant is uncertain due to the absence of conclusive functional and genetic evidence.

NM_005996.4(TBX3):c.1779_1793dup (p.Ser601_Ser602insAlaAlaAlaSerSer)

Gene: TBX3 (T-box transcription factor 3; minus strand). Cytogenetic location: 12q24.21.
Variant type: Duplication.
Coding change: c.1779_1793dup on transcript NM_005996.4 (MANE Select); coding-DNA positions 1779 to 1793, 15 bases duplicated (CGCCTCCTCTGCGGC).
Protein change: p.Ser601_Ser602insAlaAlaAlaSerSer.
Molecular consequence: inframe insertion.
Genome position (GRCh38, 1-based): chr12:114,672,220-114,672,234, GCCGCAGAGGAGGCG duplicated on the plus strand (CGCCTCCTCTGCGGC on the coding strand, the reverse complement: TBX3 is on the minus strand); duplicating any 15 consecutive bases within chr12:114,672,220-114,672,239 gives the same sequence; the c. name uses the placement nearest the transcript's 3' end. VCF-style (leftmost placement, unchanged base first): chr12-114672219-T-TGCCGCAGAGGAGGCG. GRCh37 (hg19) VCF-style: chr12-115110024-T-TGCCGCAGAGGAGGCG.
Other names: c.1839_1853dup, p.Ser621_Ser622insAlaAlaAlaSerSer (NM_016569.4).
Identifiers: ClinVar variation 3354971 (VCV003354971.1).
Genomic context (GRCh38, chr12:114,672,219, plus strand): 5'-CAGCCGCGGGCGCATGGTGTTCAGATTGAGGAAGGGGTGGCGGTGCACCGAGCTGGAGGC[T>TGCCGCAGAGGAGGCG]GCCGCAGAGGAGGCGGCCGCCGCTGCGGCCATGTACGTGTAGGGGTAAGGGAACAGGCTT-3'